The following is an entry in ClinVar:

ClinVar aggregate classification (germline): Likely pathogenic (1 of 4 stars; one submission).

Submission:

GeneDx
Classification: Likely pathogenic. Last evaluated: 2024-08-20. Review status: criteria provided, single submitter. Criteria: GeneDx Variant Classification Process June 2021. Collection method: clinical testing. Allele origin: germline. Affected: yes.
Comment: Published functional studies demonstrate a damaging effect and show that this variant has an effect on protein stability and impacts DNA-binding specificity (PMID: 22844099, 34672987); In silico analysis supports that this missense variant has a deleterious effect on protein structure/function; Not observed at significant frequency in large population cohorts (gnomAD); This variant is associated with the following publications: (PMID: 22844099, 34672987, 19345147, 21782490)

NM_018105.3(THAP1):c.36C>A (p.Asn12Lys)

Gene: THAP1 (THAP domain containing 1; minus strand). Cytogenetic location: 8p11.21.
Variant type: single nucleotide variant.
Coding change: c.36C>A on transcript NM_018105.3 (MANE Select); coding-DNA position 36, C replaced by A.
Protein change: p.Asn12Lys; replaces asparagine 12 with lysine.
Molecular consequence: missense variant.
Genome position (GRCh38, 1-based): chr8:42,843,059, G>T on the plus strand (C>A on the coding strand, the complement: THAP1 is on the minus strand). VCF-style: chr8-42843059-G-T. GRCh37 (hg19) VCF-style: chr8-42698202-G-T.
Other names: c.36C>A, p.Asn12Lys (NM_199003.2); short protein forms N12K.
Identifiers: ClinVar variation 3764153 (VCV003764153.1).